The following is an entry in ClinVar:

NM_001365951.3(KIF1B):c.1777+1G>T

Gene: KIF1B (kinesin family member 1B; plus strand). Cytogenetic location: 1p36.22.
Variant type: single nucleotide variant.
Coding change: c.1777+1G>T on transcript NM_001365951.3 (MANE Select); the canonical splice donor site of the intron after coding-DNA position 1777, G replaced by T.
Molecular consequence: splice donor variant.
Genome position (GRCh38, 1-based): chr1:10,295,767, G>T. VCF-style: chr1-10295767-G-T. GRCh37 (hg19) VCF-style: chr1-10355825-G-T.
Other names: c.1639+1G>T (NM_183416.4, NM_015074.3, NM_001365953.1); c.1777+1G>T (NM_001365952.1).
Identifiers: ClinVar variation 2026206 (VCV002026206.4), dbSNP rs2521391527, ClinGen allele CA338315283.

ClinVar aggregate classification (germline): Uncertain significance (1 of 4 stars; one submission).

Conditions:
Charcot-Marie-Tooth disease type 2. Also called: Charcot-Marie-Tooth type 2. Identifiers: Orphanet 64746, MedGen C0270914, MONDO:0018993.

Submission:

Labcorp Genetics (formerly Invitae), Labcorp
Classification: Uncertain significance for Charcot-Marie-Tooth disease type 2. Last evaluated: 2022-10-19. Review status: criteria provided, single submitter. Criteria: Invitae Variant Classification Sherloc (09022015). Collection method: clinical testing. Allele origin: germline.
Comment: In summary, the available evidence is currently insufficient to determine the role of this variant in disease. Therefore, it has been classified as a Variant of Uncertain Significance. Algorithms developed to predict the effect of sequence changes on RNA splicing suggest that this variant may disrupt the consensus splice site. This variant has not been reported in the literature in individuals affected with KIF1B-related conditions. This variant is not present in population databases (gnomAD no frequency). This sequence change affects a donor splice site in intron 17 of the KIF1B gene. It is expected to disrupt RNA splicing. Variants that disrupt the donor or acceptor splice site typically lead to a loss of protein function (PMID: 16199547), however the current clinical and genetic evidence is not sufficient to establish whether loss-of-function variants in KIF1B cause disease.

Literature cited by the submitters: PubMed 16199547.